The following is an entry in ClinVar:

ClinVar aggregate classification (germline): Uncertain significance (1 of 4 stars; one submission).

Conditions:
Hereditary cancer-predisposing syndrome. Also called: Neoplastic Syndromes, Hereditary; Tumor predisposition; Hereditary neoplastic syndrome; Hereditary Cancer Syndrome. Identifiers: Orphanet 140162, MedGen C0027672, MeSH D009386, MONDO:0015356.

Submission:

Ambry Genetics
Classification: Uncertain significance for Hereditary cancer-predisposing syndrome. Last evaluated: 2026-08-23. Review status: criteria provided, single submitter. Criteria: Ambry Variant Classification Scheme 2023. Collection method: clinical testing. Allele origin: germline.
Comment: The c.6086_6088dupGGG variant (also known as p.G2029dup), located in coding exon 44 of the POLE gene, results from an in-frame duplication of GGG at nucleotide positions 6086 to 6088. This results in the duplication of a glycine residue at codon 2029. This amino acid position is well conserved in available vertebrate species. Based on the available evidence, the clinical significance of this variant remains unclear.

NM_006231.4(POLE):c.6086_6088dup (p.Gly2029_Ala2030insGly)

Gene: POLE (DNA polymerase epsilon, catalytic subunit; minus strand). Cytogenetic location: 12q24.33.
Variant type: Duplication.
Coding change: c.6086_6088dup on transcript NM_006231.4 (MANE Select); coding-DNA positions 6086 to 6088, 3 bases duplicated (GGG; older notation c.6086_6088dupGGG).
Protein change: p.Gly2029_Ala2030insGly.
Genome position (GRCh38, 1-based): chr12:132,632,712-132,632,714, CCC duplicated on the plus strand (GGG on the coding strand, the reverse complement: POLE is on the minus strand); duplicating any 3 consecutive bases within chr12:132,632,712-132,632,717 gives the same sequence; the c. name uses the placement nearest the transcript's 3' end. VCF-style (leftmost placement, unchanged base first): chr12-132632711-G-GCCC. GRCh37 (hg19) VCF-style: chr12-133209297-G-GCCC.
Identifiers: ClinVar variation 5027044 (VCV005027044.1).